The following is an entry in ClinVar:

NM_007144.3(PCGF2):c.673C>A (p.Leu225Ile)

Genes: CISD3 (CDGSH iron sulfur domain 3; plus strand), PCGF2 (polycomb group ring finger 2; minus strand). Cytogenetic location: 17q12.
Variant type: single nucleotide variant.
Coding change: c.673C>A on transcript NM_007144.3 (MANE Select); coding-DNA position 673, C replaced by A.
Protein change: p.Leu225Ile; replaces leucine 225 with isoleucine.
Molecular consequence: missense variant. On other transcripts: 3 prime UTR variant (1).
Genome position (GRCh38, 1-based): chr17:38,735,585, G>T on the plus strand (C>A on the coding strand, the complement: PCGF2 is on the minus strand). VCF-style: chr17-38735585-G-T. GRCh37 (hg19) VCF-style: chr17-36891838-G-T.
Other names: c.*2130G>T (NM_001136498.2); c.673C>A, p.Leu225Ile (NM_001369614.1, NM_001369615.1); short protein forms L225I.
Identifiers: ClinVar variation 2127511 (VCV002127511.4), dbSNP rs1322585642, ClinGen allele CA398820256.
Genomic context (GRCh38, chr17:38,735,585, plus strand): 5'-AGGGGGTGGGCACCGTGGCTAGGGTGAGCCGCTTGCAGGCTGGCTGGACACGGTACTTGA[G>T]GGGGAGAGGCCCGTTCTGCGGGGAGAGTGGGGAGGAGAGACACAGGGAAGGGGAAGGTAT-3'
Protein context (NP_009075.1, residues 215-235): YPWRRNGPLP[Leu225Ile]KYRVQPACKR

ClinVar aggregate classification (germline): Uncertain significance (1 of 4 stars; one submission).

Allele frequency attached by ClinVar (database versions not stated): gnomAD 0.00001.
gnomAD v4.1: 4 of 1,576,196 alleles (0.00025%); highest among the groups gnomAD compares: African/African-American, 0.0013%; no homozygotes.

Submission:

Labcorp Genetics (formerly Invitae), Labcorp
Classification: Uncertain significance. Last evaluated: 2022-04-28. Review status: criteria provided, single submitter. Criteria: Invitae Variant Classification Sherloc (09022015). Collection method: clinical testing. Allele origin: germline.
Comment: This variant has not been reported in the literature in individuals affected with PCGF2-related conditions. In summary, the available evidence is currently insufficient to determine the role of this variant in disease. Therefore, it has been classified as a Variant of Uncertain Significance. Algorithms developed to predict the effect of missense changes on protein structure and function are either unavailable or do not agree on the potential impact of this missense change (SIFT: "Tolerated"; PolyPhen-2: "Possibly Damaging"; Align-GVGD: "Class C0"). The frequency data for this variant in the population databases is considered unreliable, as metrics indicate poor data quality at this position in the gnomAD database. This sequence change replaces leucine, which is neutral and non-polar, with isoleucine, which is neutral and non-polar, at codon 225 of the PCGF2 protein (p.Leu225Ile).